The following is an entry in ClinVar:

ClinVar aggregate classification (germline): Pathogenic/Likely pathogenic. Review status: criteria provided, multiple submitters, no conflicts (2 of 4 stars). 3 submissions from 3 submitters: Pathogenic (1); Likely pathogenic (2). Last evaluated 2024-01-20.

Conditions:
Congenital myasthenic syndrome 4A. Also called: Myasthenic syndrome, congenital, 4a, slow-channel; MYASTHENIC SYNDROME, CONGENITAL, 4A, SLOW-CHANNEL, AUTOSOMAL RECESSIVE; CONGENITAL MYASTHENIC SYNDROME TYPE Ia1. Identifiers: Orphanet 590, MedGen C4225413, MONDO:0011600, OMIM 605809.
Congenital myasthenic syndrome 4C (CMS4C). Also called: Myasthenic syndrome, congenital, associated with acetylcholine receptor deficiency. Identifiers: Orphanet 590, MedGen C1837091, MONDO:0012157, OMIM 608931.
Congenital myasthenic syndrome 4B. Also called: Myasthenic syndrome, congenital, 4b, fast-channel. Identifiers: Orphanet 590, MedGen C4225369, MONDO:0014586, OMIM 616324.

Submissions (3):

Labcorp Genetics (formerly Invitae), Labcorp
Classification: Pathogenic for Congenital myasthenic syndrome 4A. Last evaluated: 2024-01-20. Review status: criteria provided, single submitter. Criteria: Invitae Variant Classification Sherloc (09022015). Collection method: clinical testing. Allele origin: germline.
Comment: This sequence change creates a premature translational stop signal (p.Glu419Argfs*37) in the CHRNE gene. While this is not anticipated to result in nonsense mediated decay, it is expected to disrupt the last 75 amino acid(s) of the CHRNE protein. This variant is not present in population databases (gnomAD no frequency). This variant has not been reported in the literature in individuals affected with CHRNE-related conditions. ClinVar contains an entry for this variant (Variation ID: 935256). This variant disrupts a region of the CHRNE protein in which other variant(s) (p.Ala431Pro) have been determined to be pathogenic (PMID: 10962020). This suggests that this is a clinically significant region of the protein, and that variants that disrupt it are likely to be disease-causing. For these reasons, this variant has been classified as Pathogenic.

Baylor Genetics
Classification: Likely pathogenic for Congenital myasthenic syndrome 4A. Last evaluated: 2022-08-17. Review status: criteria provided, single submitter. Criteria: ACMG Guidelines, 2015. Collection method: clinical testing. Allele origin: unknown.

Fulgent Genetics
Classification: Likely pathogenic for Congenital myasthenic syndrome 4A; Congenital myasthenic syndrome 4C; Congenital myasthenic syndrome 4B. Last evaluated: 2022-03-21. Review status: criteria provided, single submitter. Criteria: ACMG Guidelines, 2015. Collection method: clinical testing. Allele origin: unknown.

Literature cited by the submitters: PubMed 10962020 (cited by Labcorp Genetics (formerly Invitae), Labcorp).

NM_000080.4(CHRNE):c.1254dup (p.Glu419fs)

Gene: CHRNE (cholinergic receptor nicotinic epsilon subunit; minus strand). Cytogenetic location: 17p13.2.
Variant type: Duplication.
Coding change: c.1254dup on transcript NM_000080.4 (MANE Select); coding-DNA position 1254, one base duplicated (C; older notation c.1254dupC).
Protein change: p.Glu419fs; shifts the reading frame from glutamic acid 419.
Molecular consequence: frameshift variant.
Genome position (GRCh38, 1-based): chr17:4,899,073, G duplicated on the plus strand (C on the coding strand, the reverse complement: CHRNE is on the minus strand); the first of 5 consecutive G bases (chr17:4,899,073-4,899,077); duplicating any one gives the same sequence. VCF-style (leftmost placement, unchanged base first): chr17-4899072-C-CG. GRCh37 (hg19) VCF-style: chr17-4802367-C-CG.
Other names: short protein forms E419fs.
Identifiers: ClinVar variation 935256 (VCV000935256.9), dbSNP rs769945146, ClinGen allele CA1139665073.